The following is an entry in ClinVar:

NM_001048174.2(MUTYH):c.727dup (p.Asp243fs)

Gene: MUTYH (mutY DNA glycosylase; minus strand). Cytogenetic location: 1p34.1.
Variant type: Duplication.
Coding change: c.727dup on transcript NM_001048174.2 (MANE Select); coding-DNA position 727, one base duplicated (G; older notation c.727dupG).
Protein change: p.Asp243fs; shifts the reading frame from aspartic acid 243.
Molecular consequence: frameshift variant. On other transcripts: non-coding transcript variant (2).
Genome position (GRCh38, 1-based): chr1:45,332,288, C duplicated on the plus strand (G on the coding strand, the reverse complement: MUTYH is on the minus strand); the first of 2 consecutive C bases (chr1:45,332,288-45,332,289); duplicating either gives the same sequence. VCF-style (leftmost placement, unchanged base first): chr1-45332287-T-TC. GRCh37 (hg19) VCF-style: chr1-45797959-T-TC.
Other names: c.727dup, p.Asp243fs (NM_001048171.2, NM_001048173.2, NM_001293195.2); c.730dup, p.Asp244fs (NM_001048172.2); c.811dup, p.Asp271fs (NM_001128425.2); c.772dup, p.Asp258fs (NM_001293190.2); c.760dup, p.Asp254fs (NM_001293191.2); c.451dup, p.Asp151fs (NM_001293192.2, NM_001293196.2); c.382dup, p.Asp128fs (NM_001350650.2, NM_001350651.2); c.802dup, p.Asp268fs (NM_012222.3); short protein forms D128fs, D151fs, D243fs, D244fs, D254fs, D258fs, D268fs, D271fs.
Identifiers: ClinVar variation 2745343 (VCV002745343.4), dbSNP rs2524090518, ClinGen allele CA2645376945.

ClinVar aggregate classification (germline): Pathogenic/Likely pathogenic. Review status: criteria provided, multiple submitters, no conflicts (2 of 4 stars). 2 submissions from 2 submitters: Pathogenic (1); Likely pathogenic (1). Last evaluated 2023-06-28.

Conditions:
Familial adenomatous polyposis 2. Also called: MUTYH-associated polyposis; Adenomas, multiple colorectal; COLORECTAL ADENOMATOUS POLYPOSIS, AUTOSOMAL RECESSIVE; ADENOMAS, MULTIPLE COLORECTAL, AUTOSOMAL RECESSIVE; MUTYH-related attenuated familial adenomatous polyposis; MYH-associated polyposis. Identifiers: Orphanet 220460, Orphanet 247798, MedGen C3272841, MONDO:0012041, OMIM 608456.

Submissions (2):

All of Us Research Program, National Institutes of Health
Classification: Likely pathogenic for Familial adenomatous polyposis 2. Last evaluated: 2023-06-28. Review status: criteria provided, single submitter. Criteria: ACMG Guidelines, 2015. Collection method: clinical testing. Allele origin: germline. Inheritance: Autosomal recessive inheritance. Observed: 1 variant allele, 1 heterozygote.
Comment: This study involves interpretation of variants in research participants for the purpose of population health screening. Participant phenotype was not available at the time of variant classification. Additional details can be found in publication PMID: 35346344, PMCID: PMC8962531

Labcorp Genetics (formerly Invitae), Labcorp
Classification: Pathogenic for Familial adenomatous polyposis 2. Last evaluated: 2021-03-01. Review status: criteria provided, single submitter. Criteria: Invitae Variant Classification Sherloc (09022015). Collection method: clinical testing. Allele origin: germline.
Comment: For these reasons, this variant has been classified as Pathogenic. This variant has not been reported in the literature in individuals with MUTYH-related conditions. This sequence change creates a premature translational stop signal (p.Asp271Glyfs*58) in the MUTYH gene. It is expected to result in an absent or disrupted protein product. Loss-of-function variants in MUTYH are known to be pathogenic (PMID: 18534194, 20663686). This variant is not present in population databases (ExAC no frequency).

Literature cited by the submitters: PubMed 18534194 (cited by Labcorp Genetics (formerly Invitae), Labcorp); PubMed 20663686 (cited by Labcorp Genetics (formerly Invitae), Labcorp).